The following is an entry in ClinVar:

NC_000009.12:g.(?_137790828)_(137790990_?)del

Gene: EHMT1 (euchromatic histone lysine methyltransferase 1; plus strand). Cytogenetic location: 9q34.3.
Variant type: Deletion.
Identifiers: ClinVar variation 830651 (VCV000830651.8).

ClinVar aggregate classification (germline): Likely pathogenic (1 of 4 stars; one submission).

Conditions:
Kleefstra syndrome 1 (KLEFS1). Identifiers: Orphanet 261494, MedGen C0795833, MONDO:0027407, OMIM 610253.

Submission:

Labcorp Genetics (formerly Invitae), Labcorp
Classification: Likely pathogenic for Kleefstra syndrome 1. Last evaluated: 2019-12-30. Review status: criteria provided, single submitter. Criteria: Invitae Variant Classification Sherloc (09022015). Collection method: clinical testing. Allele origin: germline.
Comment: In summary, the currently available evidence indicates that the variant is pathogenic, but additional data are needed to prove that conclusively. Therefore, this variant has been classified as Likely Pathogenic. This variant disrupts the p.Pro809 amino acid residue in EHMT1. Other variant(s) that disrupt this residue have been determined to be pathogenic (PMID: 28057753). This suggests that this residue is clinically significant, and that variants that disrupt this residue are likely to be disease-causing. This variant has not been reported in the literature in individuals with EHMT1-related conditions. This variant is an in-frame deletion of the genomic region encompassing exon(s) 16 of the EHMT1 gene. It preserves the integrity of the reading frame.

Literature cited by the submitters: PubMed 28057753.